The following is an entry in ClinVar:

ClinVar aggregate classification (germline): Pathogenic/Likely pathogenic. Review status: criteria provided, multiple submitters, no conflicts (2 of 4 stars). 4 submissions from 4 submitters: Pathogenic (2); Likely pathogenic (1). 1 of the submissions does not count toward it. Last evaluated 2024-11-26.

Conditions:
Hepatic methionine adenosyltransferase deficiency. Also called: MAT I/III DEFICIENCY; Deficiency of methionine adenosyltransferase; Methionine adenosyltransferase deficiency; Isolated Persistent Hypermethioninemia. Identifiers: Orphanet 168598, MedGen C0268621, MeSH C564683, MONDO:0009607, OMIM 250850.

Allele frequency attached by ClinVar (database versions not stated): gnomAD 0.00001; TOPMed 0.00001; ExAC 0.00002; gnomAD exomes 0.00004.
gnomAD v4.1: 30 of 1,613,558 alleles (0.0019%); highest among the groups gnomAD compares: Admixed American, 0.013%; no homozygotes.

Submissions (4):

Labcorp Genetics (formerly Invitae), Labcorp
Classification: Pathogenic for Hepatic methionine adenosyltransferase deficiency. Last evaluated: 2024-11-26. Review status: criteria provided, single submitter. Criteria: Invitae Variant Classification Sherloc (09022015). Collection method: clinical testing. Allele origin: germline.
Comment: This sequence change replaces arginine, which is basic and polar, with cysteine, which is neutral and slightly polar, at codon 199 of the MAT1A protein (p.Arg199Cys). This variant is present in population databases (rs773267230, gnomAD 0.02%). This missense change has been observed in individuals with autosomal recessive hypermethioninemia (PMID: 8770875, 26933843). It has also been observed to segregate with disease in related individuals. ClinVar contains an entry for this variant (Variation ID: 1452509). Invitae Evidence Modeling of protein sequence and biophysical properties (such as structural, functional, and spatial information, amino acid conservation, physicochemical variation, residue mobility, and thermodynamic stability) has been performed for this missense variant. However, the output from this modeling did not meet the statistical confidence thresholds required to predict the impact of this variant on MAT1A protein function. Experimental studies have shown that this missense change affects MAT1A function (PMID: 8770875). For these reasons, this variant has been classified as Pathogenic.

Women's Health and Genetics/Laboratory Corporation of America, LabCorp
Classification: Pathogenic for Hepatic methionine adenosyltransferase deficiency. Last evaluated: 2023-07-26. Review status: criteria provided, single submitter. Criteria: LabCorp Variant Classification Summary - May 2015. Collection method: clinical testing. Allele origin: germline.
Comment: Variant summary: MAT1A c.595C>T (p.Arg199Cys) results in a non-conservative amino acid change located in the S-adenosylmethionine synthetase, central domain (IPR022629) of the encoded protein sequence. This alters a highly conserved residue in which another missense variant has been found in association with Methionine adenosyltransferase I/III deficiency (HGMD). Five of five in-silico tools predict a damaging effect of the variant on protein function. The variant allele was found at a frequency of 4.4e-05 in 251014 control chromosomes (gnomAD). c.595C>T has been reported in the literature in multiple individuals affected with Hepatic methionine adenosyltransferase deficiency (Chamberlin_1996, Kim_2016), and at least one was reported as compound heterozygous with another pathogenic variant. These data indicate that the variant is very likely to be associated with disease. At least one publication reports experimental evidence evaluating an impact on protein function, finding that the variant protein expressed in bacterial cultures showed 11.1% of wildtype activity. The following publications have been ascertained in the context of this evaluation (PMID: 8770875, 26933843). Two submitters have cited clinical-significance assessments for this variant to ClinVar after 2014, and classified the variant as pathogenic/likely pathogenic. Based on the evidence outlined above, the variant was classified as pathogenic.

GeneDx
Classification: Likely pathogenic. Last evaluated: 2023-06-13. Review status: criteria provided, single submitter. Criteria: GeneDx Variant Classification Process June 2021. Collection method: clinical testing. Allele origin: germline. Affected: yes.
Comment: Reported in heterozygotes with or without hypermethioninemia in published literature (Fernndez-Irigoyen et al., 2010; Couce et al., 2013); Published functional studies demonstrate a damaging effect, including decreased MAT activity (Chamberlin et al., 1996); In silico analysis supports that this missense variant has a deleterious effect on protein structure/function; This variant is associated with the following publications: (PMID: 23425511, 8770875, 31130284, 23993429, 35281663, 26933843, 20675163, 26289392, 22951388)

Clinical Laboratory Sciences Program (CLSP), King Saud bin Abdulaziz University for Health Sciences (KSAU-HS)
Classification: Likely pathogenic for Hepatic methionine adenosyltransferase deficiency. Last evaluated: 2023-04-01. Review status: no assertion criteria provided. Collection method: clinical testing. Allele origin: germline. Affected: yes. Not counted in ClinVar's aggregate classification.

Literature cited by the submitters: PubMed 8770875 (cited by Labcorp Genetics (formerly Invitae), Labcorp and Women's Health and Genetics/Laboratory Corporation of America, LabCorp); PubMed 26933843 (cited by Labcorp Genetics (formerly Invitae), Labcorp and Women's Health and Genetics/Laboratory Corporation of America, LabCorp).

NM_000429.3(MAT1A):c.595C>T (p.Arg199Cys)

Gene: MAT1A (methionine adenosyltransferase 1A; minus strand). Cytogenetic location: 10q22.3.
Variant type: single nucleotide variant.
Coding change: c.595C>T on transcript NM_000429.3 (MANE Select); coding-DNA position 595, C replaced by T.
Protein change: p.Arg199Cys; replaces arginine 199 with cysteine.
Molecular consequence: missense variant.
Genome position (GRCh38, 1-based): chr10:80,276,549, G>A on the plus strand (C>T on the coding strand, the complement: MAT1A is on the minus strand). VCF-style: chr10-80276549-G-A. GRCh37 (hg19) VCF-style: chr10-82036305-G-A.
Other names: c.595C>T (NM_000429.2); short protein forms R199C.
Identifiers: ClinVar variation 1452509 (VCV001452509.22), dbSNP rs773267230, ClinGen allele CA5576749.